The following is an entry in ClinVar:

NM_006059.4(LAMC3):c.105C>T (p.Cys35=)

Gene: LAMC3 (laminin subunit gamma 3; plus strand). Cytogenetic location: 9q34.12.
Variant type: single nucleotide variant.
Coding change: c.105C>T on transcript NM_006059.4 (MANE Select); coding-DNA position 105, C replaced by T.
Protein change: p.Cys35=; no amino-acid change (cysteine 35 retained).
Molecular consequence: synonymous variant.
Genome position (GRCh38, 1-based): chr9:131,009,319, C>T. VCF-style: chr9-131009319-C-T. GRCh37 (hg19) VCF-style: chr9-133884706-C-T.
Other names: c.105C>T (NM_006059.3).
Identifiers: ClinVar variation 1604336 (VCV001604336.9), dbSNP rs997392279, ClinGen allele CA200659111.

ClinVar aggregate classification (germline): Likely benign. Review status: criteria provided, multiple submitters, no conflicts (2 of 4 stars). 2 submissions from 2 submitters: Likely benign (2). Last evaluated 2025-03-20.

Conditions:
LAMC3-related disorder. Also called: LAMC3-related condition.

Allele frequency attached by ClinVar (database versions not stated): gnomAD 0.00007 and 0.00009; TOPMed 0.00009.
gnomAD v4.1: 18 of 1,473,958 alleles (0.0012%); highest among the groups gnomAD compares: African/African-American, 0.019%; no homozygotes.

Submissions (2):

Labcorp Genetics (formerly Invitae), Labcorp
Classification: Likely benign. Last evaluated: 2025-03-20. Review status: criteria provided, single submitter. Criteria: Invitae Variant Classification Sherloc (09022015). Collection method: clinical testing. Allele origin: germline.

PreventionGenetics, part of Exact Sciences
Classification: Likely benign for LAMC3-related condition. Last evaluated: 2025-01-18. Review status: criteria provided, single submitter. Criteria: ACMG Guidelines, 2015. Collection method: clinical testing. Allele origin: germline.
Comment: This variant is classified as likely benign based on ACMG/AMP sequence variant interpretation guidelines (Richards et al. 2015 PMID: 25741868, with internal and published modifications).